The following is an entry in ClinVar:

NM_000156.6(GAMT):c.3G>A (p.Met1Ile)

Genes: GAMT (guanidinoacetate N-methyltransferase; minus strand), LOC130062945 (ATAC-STARR-seq lymphoblastoid silent region 9707; plus strand). Cytogenetic location: 19p13.3.
Variant type: single nucleotide variant.
Coding change: c.3G>A on transcript NM_000156.6 (MANE Select); coding-DNA position 3, G replaced by A.
Protein change: p.Met1Ile; changes the start codon (methionine 1).
Molecular consequence: missense variant, initiator codon variant.
Genome position (GRCh38, 1-based): chr19:1,401,474, C>T on the plus strand (G>A on the coding strand, the complement: GAMT is on the minus strand). VCF-style: chr19-1401474-C-T. GRCh37 (hg19) VCF-style: chr19-1401473-C-T.
Other names: c.3G>A, p.Met1Ile (NM_138924.3); short protein forms M1I.
Identifiers: ClinVar variation 941928 (VCV000941928.8), dbSNP rs2082634017, ClinGen allele CA402998580.

ClinVar aggregate classification (germline): Pathogenic (1 of 4 stars; one submission).

Conditions:
Cerebral creatine deficiency syndrome. Also called: Creatine deficiency syndromes. Identifiers: Orphanet 79172, MedGen C5244016, MONDO:0000456.

Submission:

Labcorp Genetics (formerly Invitae), Labcorp
Classification: Pathogenic for Cerebral creatine deficiency syndrome. Last evaluated: 2022-06-22. Review status: criteria provided, single submitter. Criteria: Invitae Variant Classification Sherloc (09022015). Collection method: clinical testing. Allele origin: germline.
Comment: This variant has not been reported in the literature in individuals affected with GAMT-related conditions. ClinVar contains an entry for this variant (Variation ID: 941928). This variant disrupts a region of the GAMT protein in which other variant(s) (p.Trp20Ser ) have been determined to be pathogenic (PMID: 15108290, 15651030, 17336114, 21140503). This suggests that this is a clinically significant region of the protein, and that variants that disrupt it are likely to be disease-causing. For these reasons, this variant has been classified as Pathogenic. This variant is not present in population databases (gnomAD no frequency). This sequence change affects the initiator methionine of the GAMT mRNA. The next in-frame methionine is located at codon 42.

Literature cited by the submitters: PubMed 15108290; PubMed 15651030; PubMed 17336114; PubMed 21140503.